The following is an entry in ClinVar:

ClinVar aggregate classification (germline): Benign (1 of 4 stars; one submission).

Conditions:
Isovaleryl-CoA dehydrogenase deficiency (IVA). Also called: ISOVALERIC ACID CoA DEHYDROGENASE DEFICIENCY; IVD DEFICIENCY; Isovaleric acidemia; Classic Isovaleric Acidemia. Identifiers: Orphanet 33, MedGen C0268575, MONDO:0009475, OMIM 243500.

Allele frequency attached by ClinVar (database versions not stated): gnomAD exomes 0.00194; gnomAD 0.02517 and 0.02689; TOPMed 0.02816; 1000 Genomes Project 0.02995; 1000 Genomes Project 30x 0.03357.
gnomAD v4.1: 5,694 of 1,108,146 alleles (0.51%); highest among the groups gnomAD compares: African/African-American, 8.8%; 249 homozygotes.

Submission:

Illumina Laboratory Services, Illumina
Classification: Benign for Isovaleryl-CoA dehydrogenase deficiency. Last evaluated: 2018-01-12. Review status: criteria provided, single submitter. Criteria: ICSL Variant Classification Criteria 13 December 2019. Collection method: clinical testing. Allele origin: germline.
Comment: This variant was observed in the ICSL laboratory as part of a predisposition screen in an ostensibly healthy population. It had not been previously curated by ICSL or reported in the Human Gene Mutation Database (HGMD: prior to June 1st, 2018), and was therefore a candidate for classification through an automated scoring system. Utilizing variant allele frequency, disease prevalence and penetrance estimates, and inheritance mode, an automated score was calculated to assess if this variant is too frequent to cause the disease. Based on the score and internal cut-off values, a variant classified as benign is not then subjected to further curation. The score for this variant resulted in a classification of benign for this disease.

NM_002225.5(IVD):c.*447C>G

Gene: IVD (isovaleryl-CoA dehydrogenase; plus strand). Cytogenetic location: 15q15.1.
Variant type: single nucleotide variant.
Coding change: c.*447C>G on transcript NM_002225.5 (MANE Select); 447 bases downstream of the stop codon, C replaced by G.
Molecular consequence: 3 prime UTR variant. On other transcripts: intron variant (3).
Genome position (GRCh38, 1-based): chr15:40,418,710, C>G. VCF-style: chr15-40418710-C-G. GRCh37 (hg19) VCF-style: chr15-40710909-C-G.
Other names: c.*447C>G (NM_001159508.3, NM_001354597.3, NM_001354599.3); c.1225+2348C>G (NM_001354600.3); c.1138+2348C>G (NM_001354598.3, NM_001354601.3).
Identifiers: ClinVar variation 315811 (VCV000315811.5), dbSNP rs79191320, ClinGen allele CA10645832.